The following is an entry in ClinVar:

ClinVar aggregate classification (germline): Uncertain significance (1 of 4 stars; one submission).

Conditions:
Developmental and epileptic encephalopathy, 34 (DEE34). Also called: Early infantile epileptic encephalopathy 34; SLC12A5-Related Epilepsy of Infancy with Migrating Focal Seizures. Identifiers: Orphanet 293181, MedGen C4225257, MONDO:0014718, OMIM 616645.

Submission:

Labcorp Genetics (formerly Invitae), Labcorp
Classification: Uncertain significance for Developmental and epileptic encephalopathy, 34. Last evaluated: 2022-11-14. Review status: criteria provided, single submitter. Criteria: Invitae Variant Classification Sherloc (09022015). Collection method: clinical testing. Allele origin: germline.
Comment: This sequence change replaces leucine, which is neutral and non-polar, with arginine, which is basic and polar, at codon 766 of the SLC12A5 protein (p.Leu766Arg). This variant is not present in population databases (gnomAD no frequency). This missense change has been observed in individual(s) with clinical features of SLC12A5-related conditions (Invitae). In at least one individual the data is consistent with being in trans (on the opposite chromosome) from a pathogenic variant. Advanced modeling of protein sequence and biophysical properties (such as structural, functional, and spatial information, amino acid conservation, physicochemical variation, residue mobility, and thermodynamic stability) performed at Invitae indicates that this missense variant is not expected to disrupt SLC12A5 protein function. In summary, the available evidence is currently insufficient to determine the role of this variant in disease. Therefore, it has been classified as a Variant of Uncertain Significance.

NM_020708.5(SLC12A5):c.2297T>G (p.Leu766Arg)

Gene: SLC12A5 (solute carrier family 12 member 5; plus strand). Cytogenetic location: 20q13.12.
Variant type: single nucleotide variant.
Coding change: c.2297T>G on transcript NM_020708.5 (MANE Select); coding-DNA position 2297, T replaced by G.
Protein change: p.Leu766Arg; replaces leucine 766 with arginine.
Molecular consequence: missense variant.
Genome position (GRCh38, 1-based): chr20:46,051,790, T>G. VCF-style: chr20-46051790-T-G. GRCh37 (hg19) VCF-style: chr20-44680429-T-G.
Other names: c.2366T>G, p.Leu789Arg (NM_001134771.2); short protein forms L766R, L789R.
Identifiers: ClinVar variation 1720438 (VCV001720438.6), dbSNP rs2515649365, ClinGen allele CA409203437.